The following is an entry in ClinVar:

ClinVar aggregate classification (germline): Uncertain significance (1 of 4 stars; one submission).

Conditions:
Cardiovascular phenotype. Identifiers: MedGen CN230736.

Submission:

Ambry Genetics
Classification: Uncertain significance for Cardiovascular phenotype. Last evaluated: 2021-10-29. Review status: criteria provided, single submitter. Criteria: Ambry Variant Classification Scheme 2023. Collection method: clinical testing. Allele origin: germline.
Comment: The p.I730L variant (also known as c.2188A>C), located in coding exon 8 of the AKAP9 gene, results from an A to C substitution at nucleotide position 2188. The isoleucine at codon 730 is replaced by leucine, an amino acid with highly similar properties. This amino acid position is conserved. In addition, this alteration is predicted to be tolerated by in silico analysis. Since supporting evidence is limited at this time, the clinical significance of this alteration remains unclear.

NM_005751.5(AKAP9):c.2188A>C (p.Ile730Leu)

Gene: AKAP9 (A-kinase anchoring protein 9; plus strand). Cytogenetic location: 7q21.2.
Variant type: single nucleotide variant.
Coding change: c.2188A>C on transcript NM_005751.5 (MANE Select); coding-DNA position 2188, A replaced by C.
Protein change: p.Ile730Leu; replaces isoleucine 730 with leucine.
Molecular consequence: missense variant.
Genome position (GRCh38, 1-based): chr7:92,002,105, A>C. VCF-style: chr7-92002105-A-C. GRCh37 (hg19) VCF-style: chr7-91631419-A-C.
Other names: c.2188A>C, p.Ile730Leu (NM_147185.3); short protein forms I730L.
Identifiers: ClinVar variation 1787361 (VCV001787361.2), dbSNP rs1799245251, ClinGen allele CA368123528.